The following is an entry in ClinVar:

NM_002890.3(RASA1):c.374C>G (p.Ala125Gly)

Gene: RASA1 (RAS p21 protein activator 1; plus strand). Cytogenetic location: 5q14.3.
Variant type: single nucleotide variant.
Coding change: c.374C>G on transcript NM_002890.3 (MANE Select); coding-DNA position 374, C replaced by G.
Protein change: p.Ala125Gly; replaces alanine 125 with glycine.
Molecular consequence: missense variant.
Genome position (GRCh38, 1-based): chr5:87,268,825, C>G. VCF-style: chr5-87268825-C-G. GRCh37 (hg19) VCF-style: chr5-86564642-C-G.
Other names: short protein forms A125G.
Identifiers: ClinVar variation 2905205 (VCV002905205.4), dbSNP rs1004323266, ClinGen allele CA122462670.

ClinVar aggregate classification (germline): Uncertain significance. Review status: criteria provided, multiple submitters, no conflicts (2 of 4 stars). 2 submissions from 2 submitters: Uncertain significance (2). Last evaluated 2026-05-03.

Conditions:
Capillary malformation-arteriovenous malformation syndrome. Also called: Capillary malformation-arteriovenous malformation. Identifiers: Orphanet 137667, MedGen C1842180, MONDO:0012016.
Cardiovascular phenotype. Identifiers: MedGen CN230736.

Submissions (2):

Ambry Genetics
Classification: Uncertain significance for Cardiovascular phenotype. Last evaluated: 2026-05-03. Review status: criteria provided, single submitter. Criteria: Ambry Variant Classification Scheme 2023. Collection method: clinical testing. Allele origin: germline.
Comment: The p.A125G variant (also known as c.374C>G), located in coding exon 1 of the RASA1 gene, results from a C to G substitution at nucleotide position 374. The alanine at codon 125 is replaced by glycine, an amino acid with similar properties. This amino acid position is conserved. In addition, this alteration is predicted to be tolerated by in silico analysis. Based on the available evidence, the clinical significance of this variant remains unclear.

Labcorp Genetics (formerly Invitae), Labcorp
Classification: Uncertain significance for Capillary malformation-arteriovenous malformation syndrome. Last evaluated: 2023-05-30. Review status: criteria provided, single submitter. Criteria: Invitae Variant Classification Sherloc (09022015). Collection method: clinical testing. Allele origin: germline.
Comment: An algorithm developed to predict the effect of missense changes on protein structure and function (PolyPhen-2) suggests that this variant is likely to be tolerated. This variant has not been reported in the literature in individuals affected with RASA1-related conditions. This variant is not present in population databases (gnomAD no frequency). This sequence change replaces alanine, which is neutral and non-polar, with glycine, which is neutral and non-polar, at codon 125 of the RASA1 protein (p.Ala125Gly). Algorithms developed to predict the effect of sequence changes on RNA splicing suggest that this variant may create or strengthen a splice site. In summary, the available evidence is currently insufficient to determine the role of this variant in disease. Therefore, it has been classified as a Variant of Uncertain Significance.